The following is an entry in ClinVar:

NM_025114.4(CEP290):c.5825A>G (p.Gln1942Arg)

Gene: CEP290 (centrosomal protein 290; minus strand). Cytogenetic location: 12q21.32.
Variant type: single nucleotide variant.
Coding change: c.5825A>G on transcript NM_025114.4 (MANE Select); coding-DNA position 5825, A replaced by G.
Protein change: p.Gln1942Arg; replaces glutamine 1942 with arginine.
Molecular consequence: missense variant.
Genome position (GRCh38, 1-based): chr12:88,071,811, T>C on the plus strand (A>G on the coding strand, the complement: CEP290 is on the minus strand). VCF-style: chr12-88071811-T-C. GRCh37 (hg19) VCF-style: chr12-88465588-T-C.
Other names: short protein forms Q1942R.
Identifiers: ClinVar variation 2931088 (VCV002931088.3), dbSNP rs750783436, ClinGen allele CA6711635.

ClinVar aggregate classification (germline): Uncertain significance (1 of 4 stars; one submission).

Conditions:
Joubert syndrome. Also called: CEREBELLOPARENCHYMAL DISORDER IV; JOUBERT-BOLTSHAUSER SYNDROME; Familial aplasia of the vermis. Identifiers: Orphanet 475, MedGen C5979921, MONDO:0018772.
Nephronophthisis. Also called: Juvenile Nephronophthisis. Identifiers: Orphanet 655, MedGen C0687120, MONDO:0019005, HP:0000090.
Meckel-Gruber syndrome. Also called: DYSENCEPHALIA SPLANCHNOCYSTICA; GRUBER SYNDROME; Dysencephalia splachnocystica. Identifiers: Orphanet 564, MedGen C0265215, MONDO:0018921.

Allele frequency attached by ClinVar (database versions not stated): gnomAD exomes below 0.00001; ExAC 0.00001; gnomAD 0.00001.
gnomAD v4.1: 3 of 1,601,586 alleles (0.00019%); highest among the groups gnomAD compares: South Asian, 0.0011%; no homozygotes.

Submission:

Labcorp Genetics (formerly Invitae), Labcorp
Classification: Uncertain significance for Joubert syndrome; Meckel-Gruber syndrome; Nephronophthisis. Last evaluated: 2023-03-16. Review status: criteria provided, single submitter. Criteria: Invitae Variant Classification Sherloc (09022015). Collection method: clinical testing. Allele origin: germline.
Comment: In summary, the available evidence is currently insufficient to determine the role of this variant in disease. Therefore, it has been classified as a Variant of Uncertain Significance. Advanced modeling of protein sequence and biophysical properties (such as structural, functional, and spatial information, amino acid conservation, physicochemical variation, residue mobility, and thermodynamic stability) performed at Invitae indicates that this missense variant is expected to disrupt CEP290 protein function. This variant has not been reported in the literature in individuals affected with CEP290-related conditions. The frequency data for this variant in the population databases is considered unreliable, as metrics indicate poor data quality at this position in the gnomAD database. This sequence change replaces glutamine, which is neutral and polar, with arginine, which is basic and polar, at codon 1942 of the CEP290 protein (p.Gln1942Arg).